The following is an entry in ClinVar:

NM_001283009.2(RTEL1):c.926A>G (p.Asn309Ser)

Genes: RTEL1 (regulator of telomere elongation helicase 1; plus strand), RTEL1-TNFRSF6B (RTEL1-TNFRSF6B readthrough (NMD candidate); plus strand). Cytogenetic location: 20q13.33.
Variant type: single nucleotide variant.
Coding change: c.926A>G on transcript NM_001283009.2 (MANE Select); coding-DNA position 926, A replaced by G.
Protein change: p.Asn309Ser; replaces asparagine 309 with serine.
Molecular consequence: missense variant. On other transcripts: non-coding transcript variant (1).
Genome position (GRCh38, 1-based): chr20:63,678,151, A>G. VCF-style: chr20-63678151-A-G. GRCh37 (hg19) VCF-style: chr20-62309504-A-G.
Other names: c.257A>G, p.Asn86Ser (NM_001283010.1); c.926A>G, p.Asn309Ser (NM_016434.4); c.998A>G, p.Asn333Ser (NM_032957.5); short protein forms N309S, N333S, N86S.
Identifiers: ClinVar variation 3948391 (VCV003948391.1).

ClinVar aggregate classification (germline): Uncertain significance (1 of 4 stars; one submission).

Conditions:
Inborn genetic diseases. Identifiers: MedGen C0950123, MeSH D030342.

gnomAD v4.1: 7 of 1,614,214 alleles (0.00043%); highest among the groups gnomAD compares: Non-Finnish European, 0.00059%; no homozygotes.

Submission:

Ambry Genetics
Classification: Uncertain significance for Inborn genetic diseases. Last evaluated: 2025-05-15. Review status: criteria provided, single submitter. Criteria: Ambry Variant Classification Scheme 2023. Collection method: clinical testing. Allele origin: germline.
Comment: The p.N309S variant (also known as c.926A>G), located in coding exon 10 of the RTEL1 gene, results from an A to G substitution at nucleotide position 926. The asparagine at codon 309 is replaced by serine, an amino acid with highly similar properties. This amino acid position is conserved. In addition, this alteration is predicted to be tolerated by in silico analysis. Based on the available evidence, the clinical significance of this variant remains unclear.